The following is an entry in ClinVar:

NM_024408.4(NOTCH2):c.2166C>A (p.Asn722Lys)

Gene: NOTCH2 (notch receptor 2; minus strand). Cytogenetic location: 1p12.
Variant type: single nucleotide variant.
Coding change: c.2166C>A on transcript NM_024408.4 (MANE Select); coding-DNA position 2166, C replaced by A.
Protein change: p.Asn722Lys; replaces asparagine 722 with lysine.
Molecular consequence: missense variant.
Genome position (GRCh38, 1-based): chr1:119,955,093, G>T on the plus strand (C>A on the coding strand, the complement: NOTCH2 is on the minus strand). VCF-style: chr1-119955093-G-T. GRCh37 (hg19) VCF-style: chr1-120497716-G-T.
Other names: c.2166C>A, p.Asn722Lys (NM_001200001.2); c.2166C>A (NM_024408.3); short protein forms N722K.
Identifiers: ClinVar variation 1388234 (VCV001388234.9), dbSNP rs1046818561, ClinGen allele CA341866097.
Genomic context (GRCh38, chr1:119,955,093, plus strand): 5'-TACTCACCCACTGAGACCTCCAGTACAGTTTCCATGGATGCAGGGATTGCTCAGGCATTC[G>T]TTCACCTGTGAGTAGCAGCTGGGGTGATGGGGTCCCTCGGGGCATATACAGCGGAAACCA-3'
Protein context (NP_077719.2, residues 712-732): PHHPSCYSQV[Asn722Lys]ECLSNPCIHG

ClinVar aggregate classification (germline): Uncertain significance. Review status: criteria provided, multiple submitters, no conflicts (2 of 4 stars). 2 submissions from 2 submitters: Uncertain significance (2). Last evaluated 2025-09-16.

Conditions:
Hajdu-Cheney syndrome (HJCYS). Also called: SERPENTINE FIBULA-POLYCYSTIC KIDNEY SYNDROME; ACROOSTEOLYSIS WITH OSTEOPOROSIS AND CHANGES IN SKULL AND MANDIBLE; Acroosteolysis dominant type. Identifiers: Orphanet 955, MedGen C0917715, MONDO:0007057, OMIM 102500.
NOTCH2-related disorder. Also called: NOTCH2-related condition.

gnomAD v4.1: 6 of 1,614,050 alleles (0.00037%); highest among the groups gnomAD compares: Non-Finnish European, 0.00051%; no homozygotes.

Submissions (2):

PreventionGenetics, part of Exact Sciences
Classification: Uncertain significance for NOTCH2-related condition. Last evaluated: 2025-09-16. Review status: criteria provided, single submitter. Criteria: ACMG Guidelines, 2015. Collection method: clinical testing. Allele origin: germline.
Comment: The NOTCH2 c.2166C>A variant is predicted to result in the amino acid substitution p.Asn722Lys. To our knowledge, this variant has not been reported in the literature. This variant is reported in 0.00088% of alleles in individuals of European (Non-Finnish) descent in gnomAD. At this time, the clinical significance of this variant is uncertain due to the absence of conclusive functional and genetic evidence.

Labcorp Genetics (formerly Invitae), Labcorp
Classification: Uncertain significance for Hajdu-Cheney syndrome. Last evaluated: 2021-05-20. Review status: criteria provided, single submitter. Criteria: Invitae Variant Classification Sherloc (09022015). Collection method: clinical testing. Allele origin: germline.
Comment: Algorithms developed to predict the effect of missense changes on protein structure and function are either unavailable or do not agree on the potential impact of this missense change (SIFT: "Deleterious"; PolyPhen-2: "Benign"; Align-GVGD: "Class C65"). In summary, the available evidence is currently insufficient to determine the role of this variant in disease. Therefore, it has been classified as a Variant of Uncertain Significance. This variant has not been reported in the literature in individuals with NOTCH2-related conditions. This variant is not present in population databases (ExAC no frequency). This sequence change replaces asparagine with lysine at codon 722 of the NOTCH2 protein (p.Asn722Lys). The asparagine residue is highly conserved and there is a moderate physicochemical difference between asparagine and lysine.